The following is an entry in ClinVar:

NM_001177316.2(SLC34A3):c.1123G>A (p.Gly375Ser)

Gene: SLC34A3 (solute carrier family 34 member 3; plus strand). Cytogenetic location: 9q34.3.
Variant type: single nucleotide variant.
Coding change: c.1123G>A on transcript NM_001177316.2 (MANE Select); coding-DNA position 1123, G replaced by A.
Protein change: p.Gly375Ser; replaces glycine 375 with serine.
Molecular consequence: missense variant.
Genome position (GRCh38, 1-based): chr9:137,234,445, G>A. VCF-style: chr9-137234445-G-A. GRCh37 (hg19) VCF-style: chr9-140128897-G-A.
Other names: c.1123G>A, p.Gly375Ser (NM_001177317.2, NM_080877.3); short protein forms G375S.
Identifiers: ClinVar variation 730587 (VCV000730587.13), dbSNP rs201759654, ClinGen allele CA5364806.

ClinVar aggregate classification (germline): Likely benign. Review status: criteria provided, multiple submitters, no conflicts (2 of 4 stars). 3 submissions from 3 submitters: Likely benign (2). 1 of the submissions does not count toward it. Last evaluated 2025-12-11.

Conditions:
SLC34A3-related disorder. Also called: SLC34A3-related condition.

Allele frequency attached by ClinVar (database versions not stated): ExAC 0.00057; gnomAD exomes 0.00058 and 0.00024; ESP Exome Variant Server 0.00104; 1000 Genomes Project 0.00180; 1000 Genomes Project 30x 0.00203; gnomAD 0.00214 and 0.00233; TOPMed 0.00227.
gnomAD v4.1: 674 of 1,599,174 alleles (0.042%); highest among the groups gnomAD compares: African/African-American, 0.78%; 5 homozygotes.

Submissions (3):

Labcorp Genetics (formerly Invitae), Labcorp
Classification: Likely benign. Last evaluated: 2025-12-11. Review status: criteria provided, single submitter. Criteria: Invitae Variant Classification Sherloc (09022015). Collection method: clinical testing. Allele origin: germline.

Breakthrough Genomics
Classification: Likely benign. Review status: criteria provided, single submitter. Criteria: ACMG Guidelines, 2015. Collection method: not provided. Allele origin: germline. Inheritance: Autosomal recessive inheritance. Affected: yes.

PreventionGenetics, part of Exact Sciences
Classification: Benign for SLC34A3-related condition. Last evaluated: 2020-11-10. Review status: no assertion criteria provided. Collection method: clinical testing. Allele origin: germline. Not counted in ClinVar's aggregate classification.
Comment: This variant is classified as benign based on ACMG/AMP sequence variant interpretation guidelines (Richards et al. 2015 PMID: 25741868, with internal and published modifications).